The following is an entry in ClinVar:

ClinVar aggregate classification (germline): Uncertain significance (1 of 4 stars; one submission).

Allele frequency attached by ClinVar (database versions not stated): gnomAD 0.00005; 1000 Genomes Project 30x 0.00016; 1000 Genomes Project 0.00020.
gnomAD v4.1: 108 of 1,613,900 alleles (0.0067%); highest among the groups gnomAD compares: Non-Finnish European, 0.0087%; no homozygotes.

Submission:

Labcorp Genetics (formerly Invitae), Labcorp
Classification: Uncertain significance. Last evaluated: 2024-01-16. Review status: criteria provided, single submitter. Criteria: Invitae Variant Classification Sherloc (09022015). Collection method: clinical testing. Allele origin: germline.
Comment: This sequence change replaces arginine, which is basic and polar, with leucine, which is neutral and non-polar, at codon 151 of the TBX18 protein (p.Arg151Leu). This variant is present in population databases (rs201883996, gnomAD 0.01%). This variant has not been reported in the literature in individuals affected with TBX18-related conditions. Advanced modeling of protein sequence and biophysical properties (such as structural, functional, and spatial information, amino acid conservation, physicochemical variation, residue mobility, and thermodynamic stability) performed at Invitae indicates that this missense variant is expected to disrupt TBX18 protein function with a positive predictive value of 80%. In summary, the available evidence is currently insufficient to determine the role of this variant in disease. Therefore, it has been classified as a Variant of Uncertain Significance.

NM_001080508.3(TBX18):c.452G>T (p.Arg151Leu)

Gene: TBX18 (T-box transcription factor 18; minus strand). Cytogenetic location: 6q14.3.
Variant type: single nucleotide variant.
Coding change: c.452G>T on transcript NM_001080508.3 (MANE Select); coding-DNA position 452, G replaced by T.
Protein change: p.Arg151Leu; replaces arginine 151 with leucine.
Molecular consequence: missense variant.
Genome position (GRCh38, 1-based): chr6:84,762,589, C>A on the plus strand (G>T on the coding strand, the complement: TBX18 is on the minus strand). VCF-style: chr6-84762589-C-A. GRCh37 (hg19) VCF-style: chr6-85472307-C-A.
Other names: short protein forms R151L.
Identifiers: ClinVar variation 2715448 (VCV002715448.3), dbSNP rs201883996, ClinGen allele CA3911101.